The following is an entry in ClinVar:

ClinVar aggregate classification (germline): Uncertain significance. Review status: criteria provided, multiple submitters, no conflicts (2 of 4 stars). 2 submissions from 2 submitters: Uncertain significance (2). Last evaluated 2024-08-14.

Allele frequency attached by ClinVar (database versions not stated): 1000 Genomes Project 0.00040; ExAC 0.00002; gnomAD exomes 0.00004; gnomAD 0.00018 and 0.00019; 1000 Genomes Project 30x 0.00031.
gnomAD v4.1: 54 of 1,612,804 alleles (0.0033%); highest among the groups gnomAD compares: African/African-American, 0.055%; no homozygotes.

Submissions (2):

GeneDx
Classification: Uncertain significance. Last evaluated: 2024-08-14. Review status: criteria provided, single submitter. Criteria: GeneDx Variant Classification Process June 2021. Collection method: clinical testing. Allele origin: germline. Affected: yes.
Comment: In silico analysis supports that this missense variant does not alter protein structure/function; Has not been previously published as pathogenic or benign to our knowledge

Labcorp Genetics (formerly Invitae), Labcorp
Classification: Uncertain significance. Last evaluated: 2021-08-27. Review status: criteria provided, single submitter. Criteria: Invitae Variant Classification Sherloc (09022015). Collection method: clinical testing. Allele origin: germline.
Comment: This sequence change replaces arginine with cysteine at codon 167 of the GRXCR1 protein (p.Arg167Cys). The arginine residue is highly conserved and there is a large physicochemical difference between arginine and cysteine. This variant is present in population databases (rs192948915, ExAC 0.03%). This variant has not been reported in the literature in individuals affected with GRXCR1-related conditions. Algorithms developed to predict the effect of missense changes on protein structure and function (SIFT, PolyPhen-2, Align-GVGD) all suggest that this variant is likely to be disruptive. In summary, the available evidence is currently insufficient to determine the role of this variant in disease. Therefore, it has been classified as a Variant of Uncertain Significance.

NM_001080476.3(GRXCR1):c.499C>T (p.Arg167Cys)

Gene: GRXCR1 (glutaredoxin and cysteine rich domain containing 1; plus strand). Cytogenetic location: 4p13.
Variant type: single nucleotide variant.
Coding change: c.499C>T on transcript NM_001080476.3 (MANE Select); coding-DNA position 499, C replaced by T.
Protein change: p.Arg167Cys; replaces arginine 167 with cysteine.
Molecular consequence: missense variant.
Genome position (GRCh38, 1-based): chr4:42,963,006, C>T. VCF-style: chr4-42963006-C-T. GRCh37 (hg19) VCF-style: chr4-42965023-C-T.
Other names: short protein forms R167C.
Identifiers: ClinVar variation 1467720 (VCV001467720.8), dbSNP rs192948915, ClinGen allele CA2904423.